The following is an entry in ClinVar:

NM_006361.6(HOXB13):c.44T>A (p.Ile15Asn)

Gene: HOXB13 (homeobox B13; minus strand). Cytogenetic location: 17q21.32.
Variant type: single nucleotide variant.
Coding change: c.44T>A on transcript NM_006361.6 (MANE Select); coding-DNA position 44, T replaced by A.
Protein change: p.Ile15Asn; replaces isoleucine 15 with asparagine.
Molecular consequence: missense variant.
Genome position (GRCh38, 1-based): chr17:48,728,550, A>T on the plus strand (T>A on the coding strand, the complement: HOXB13 is on the minus strand). VCF-style: chr17-48728550-A-T. GRCh37 (hg19) VCF-style: chr17-46805912-A-T.
Other names: short protein forms I15N.
Identifiers: ClinVar variation 2107428 (VCV002107428.5), dbSNP rs1167132244, ClinGen allele CA400109789.

ClinVar aggregate classification (germline): Uncertain significance. Review status: criteria provided, multiple submitters, no conflicts (2 of 4 stars). 2 submissions from 2 submitters: Uncertain significance (2). Last evaluated 2024-06-07.

Conditions:
Hereditary cancer-predisposing syndrome. Also called: Neoplastic Syndromes, Hereditary; Hereditary Cancer Syndrome; Hereditary neoplastic syndrome; Tumor predisposition. Identifiers: Orphanet 140162, MedGen C0027672, MeSH D009386, MONDO:0015356.

Submissions (2):

Ambry Genetics
Classification: Uncertain significance for Hereditary cancer-predisposing syndrome. Last evaluated: 2024-06-07. Review status: criteria provided, single submitter. Criteria: Ambry Variant Classification Scheme 2023. Collection method: clinical testing. Allele origin: germline.
Comment: The p.I15N variant (also known as c.44T>A), located in coding exon 1 of the HOXB13 gene, results from a T to A substitution at nucleotide position 44. The isoleucine at codon 15 is replaced by asparagine, an amino acid with dissimilar properties. This amino acid position is conserved. In addition, the in silico prediction for this alteration is inconclusive. Based on the available evidence, the clinical significance of this variant remains unclear.

Labcorp Genetics (formerly Invitae), Labcorp
Classification: Uncertain significance. Last evaluated: 2022-03-06. Review status: criteria provided, single submitter. Criteria: Invitae Variant Classification Sherloc (09022015). Collection method: clinical testing. Allele origin: germline.
Comment: This variant has not been reported in the literature in individuals affected with HOXB13-related conditions. This sequence change replaces isoleucine, which is neutral and non-polar, with asparagine, which is neutral and polar, at codon 15 of the HOXB13 protein (p.Ile15Asn). This variant is not present in population databases (gnomAD no frequency). Algorithms developed to predict the effect of missense changes on protein structure and function (SIFT, PolyPhen-2, Align-GVGD) all suggest that this variant is likely to be tolerated. In summary, the available evidence is currently insufficient to determine the role of this variant in disease. Therefore, it has been classified as a Variant of Uncertain Significance.